The following is an entry in ClinVar:

NM_015450.3(POT1):c.786G>C (p.Glu262Asp)

Gene: POT1 (protection of telomeres 1; minus strand). Cytogenetic location: 7q31.33.
Variant type: single nucleotide variant.
Coding change: c.786G>C on transcript NM_015450.3 (MANE Select); coding-DNA position 786, G replaced by C.
Protein change: p.Glu262Asp; replaces glutamic acid 262 with aspartic acid.
Molecular consequence: missense variant. On other transcripts: non-coding transcript variant (3).
Genome position (GRCh38, 1-based): chr7:124,853,055, C>G on the plus strand (G>C on the coding strand, the complement: POT1 is on the minus strand). VCF-style: chr7-124853055-C-G. GRCh37 (hg19) VCF-style: chr7-124493109-C-G.
Other names: c.393G>C, p.Glu131Asp (NM_001042594.2); short protein forms E131D, E262D.
Identifiers: ClinVar variation 4141953 (VCV004141953.1).

ClinVar aggregate classification (germline): Uncertain significance (1 of 4 stars; one submission).

Conditions:
Hereditary cancer-predisposing syndrome. Also called: Hereditary neoplastic syndrome; Neoplastic Syndromes, Hereditary; Tumor predisposition; Hereditary Cancer Syndrome. Identifiers: Orphanet 140162, MedGen C0027672, MeSH D009386, MONDO:0015356.

Submission:

Ambry Genetics
Classification: Uncertain significance for Hereditary cancer-predisposing syndrome. Last evaluated: 2025-09-12. Review status: criteria provided, single submitter. Criteria: Ambry Variant Classification Scheme 2023. Collection method: clinical testing. Allele origin: germline.
Comment: The p.E262D variant (also known as c.786G>C), located in coding exon 6 of the POT1 gene, results from a G to C substitution at nucleotide position 786. The glutamic acid at codon 262 is replaced by aspartic acid, an amino acid with highly similar properties. This amino acid position is conserved. In addition, the in silico prediction for this alteration is inconclusive. Based on the available evidence, the clinical significance of this variant remains unclear.